The following is an entry in ClinVar:

ClinVar aggregate classification (germline): Uncertain significance (1 of 4 stars; one submission).

Conditions:
Autoimmune lymphoproliferative syndrome type 2A (ALPS2A). Also called: Autoimmune lymphoproliferative syndrome type 2; CASP10-Related Autoimmune Lymphoproliferative Syndrome; AUTOIMMUNE LYMPHOPROLIFERATIVE SYNDROME, TYPE IIA. Identifiers: Orphanet 3261, MedGen C1858968, MONDO:0011383, OMIM 603909.

Allele frequency attached by ClinVar (database versions not stated): ExAC 0.00001; gnomAD exomes 0.00001.
gnomAD v4.1: 11 of 1,613,576 alleles (0.00068%); highest among the groups gnomAD compares: South Asian, 0.0044%; no homozygotes.

Submission:

Labcorp Genetics (formerly Invitae), Labcorp
Classification: Uncertain significance for Autoimmune lymphoproliferative syndrome type 2A. Last evaluated: 2025-02-13. Review status: criteria provided, single submitter. Criteria: Invitae Variant Classification Sherloc (09022015). Collection method: clinical testing. Allele origin: germline.
Comment: This sequence change replaces cysteine, which is neutral and slightly polar, with phenylalanine, which is neutral and non-polar, at codon 169 of the CASP10 protein (p.Cys169Phe). This variant is present in population databases (rs768707944, gnomAD 0.0009%). This variant has not been reported in the literature in individuals affected with CASP10-related conditions. ClinVar contains an entry for this variant (Variation ID: 2927573). Invitae Evidence Modeling of protein sequence and biophysical properties (such as structural, functional, and spatial information, amino acid conservation, physicochemical variation, residue mobility, and thermodynamic stability) indicates that this missense variant is not expected to disrupt CASP10 protein function with a negative predictive value of 80%. In summary, the available evidence is currently insufficient to determine the role of this variant in disease. Therefore, it has been classified as a Variant of Uncertain Significance.

NM_032977.4(CASP10):c.506G>T (p.Cys169Phe)

Gene: CASP10 (caspase 10; plus strand). Cytogenetic location: 2q33.1.
Variant type: single nucleotide variant.
Coding change: c.506G>T on transcript NM_032977.4 (MANE Select); coding-DNA position 506, G replaced by T.
Protein change: p.Cys169Phe; replaces cysteine 169 with phenylalanine.
Molecular consequence: missense variant.
Genome position (GRCh38, 1-based): chr2:201,193,048, G>T. VCF-style: chr2-201193048-G-T. GRCh37 (hg19) VCF-style: chr2-202057771-G-T.
Other names: c.506G>T, p.Cys169Phe (NM_001206524.2, NM_001206542.2, NM_001230.5 and 3 more transcripts); short protein forms C169F.
Identifiers: ClinVar variation 2927573 (VCV002927573.3), dbSNP rs768707944, ClinGen allele CA2052890.